The following is an entry in ClinVar:

NM_020041.3(SLC2A9):c.1049C>T (p.Pro350Leu)

Gene: SLC2A9 (solute carrier family 2 member 9; minus strand). Cytogenetic location: 4p16.1.
Variant type: single nucleotide variant.
Coding change: c.1049C>T on transcript NM_020041.3 (MANE Select); coding-DNA position 1049, C replaced by T.
Protein change: p.Pro350Leu; replaces proline 350 with leucine.
Molecular consequence: missense variant.
Genome position (GRCh38, 1-based): chr4:9,908,299, G>A on the plus strand (C>T on the coding strand, the complement: SLC2A9 is on the minus strand). VCF-style: chr4-9908299-G-A. GRCh37 (hg19) VCF-style: chr4-9909923-G-A.
Other names: c.962C>T, p.Pro321Leu (NM_001001290.2); short protein forms P350L, P321L.
Identifiers: ClinVar variation 350207 (VCV000350207.20), dbSNP rs2280205, ClinGen allele CA2856994.
Genomic context (GRCh38, chr4:9,908,299, plus strand): 5'-AAGACGGCAGCCAAAGTCTCGATGCCCCCTGTACTCAAGGTGACGTATGGGATCTTTGCC[G>A]GAGGGATCCCAGCTTTTCCAAAGATGCTGTTGGTATAGAACCAAATCTGTAATTCAGGAA-3'
Protein context (NP_064425.2, residues 340-360): NSIFGKAGIP[Pro350Leu]AKIPYVTLST

ClinVar aggregate classification (germline): Benign. Review status: criteria provided, multiple submitters, no conflicts (2 of 4 stars). 7 submissions from 7 submitters: Benign (7). Last evaluated 2026-02-04.

Conditions:
Hypouricemia, renal, 2. Also called: HYPOURICEMIA, RENAL, 2, AUTOSOMAL DOMINANT; HYPOURICEMIA, RENAL, 2, AUTOSOMAL RECESSIVE. Identifiers: MedGen C2677549, MONDO:0012793, OMIM 612076.

Allele frequency attached by ClinVar (database versions not stated): 1000 Genomes Project 0.27117; 1000 Genomes Project 30x 0.27295; TOPMed 0.35847; gnomAD 0.37739; ESP Exome Variant Server 0.37936.
gnomAD v4.1: 784,365 of 1,612,430 alleles (49%); highest among the groups gnomAD compares: Non-Finnish European, 53%; 199,977 homozygotes.

Submissions (7):

Labcorp Genetics (formerly Invitae), Labcorp
Classification: Benign. Last evaluated: 2026-02-04. Review status: criteria provided, single submitter. Criteria: Invitae Variant Classification Sherloc (09022015). Collection method: clinical testing. Allele origin: germline.

Blueprint Genetics
Classification: Benign. Last evaluated: 2024-11-26. Review status: criteria provided, single submitter. Criteria: ACMG Guidelines, 2015. Collection method: clinical testing. Allele origin: germline.

Mayo Clinic Laboratories, Mayo Clinic
Classification: Benign. Last evaluated: 2022-09-23. Review status: criteria provided, single submitter. Criteria: ACMG Guidelines, 2015. Collection method: clinical testing. Allele origin: germline. Observed: 120 variant alleles.
Comment: BA1, BP4

Genome-Nilou Lab
Classification: Benign for Hypouricemia, renal, 2. Last evaluated: 2021-07-15. Review status: criteria provided, single submitter. Criteria: ACMG Guidelines, 2015. Collection method: clinical testing. Allele origin: germline. Affected: no.

GeneDx
Classification: Benign. Last evaluated: 2019-08-20. Review status: criteria provided, single submitter. Criteria: GeneDx Variant Classification Process June 2021. Collection method: clinical testing. Allele origin: germline. Affected: yes.
Comment: This variant is associated with the following publications: (PMID: 30315176)

Illumina Laboratory Services, Illumina
Classification: Benign for Hypouricemia, renal, 2. Last evaluated: 2018-01-12. Review status: criteria provided, single submitter. Criteria: ICSL Variant Classification Criteria 13 December 2019. Collection method: clinical testing. Allele origin: germline.
Comment: This variant was observed in the ICSL laboratory as part of a predisposition screen in an ostensibly healthy population. It had not been previously curated by ICSL or reported in the Human Gene Mutation Database (HGMD: prior to June 1st, 2018), and was therefore a candidate for classification through an automated scoring system. Utilizing variant allele frequency, disease prevalence and penetrance estimates, and inheritance mode, an automated score was calculated to assess if this variant is too frequent to cause the disease. Based on the score and internal cut-off values, a variant classified as benign is not then subjected to further curation. The score for this variant resulted in a classification of benign for this disease.

Breakthrough Genomics
Classification: Benign. Review status: criteria provided, single submitter. Criteria: ACMG Guidelines, 2015. Collection method: not provided. Allele origin: germline. Inheritance: Autosomal dominant inheritance. Affected: yes.